The following is an entry in ClinVar:

ClinVar aggregate classification (germline): Uncertain significance (1 of 4 stars; one submission).

Submission:

GeneDx
Classification: Uncertain significance. Last evaluated: 2025-08-13. Review status: criteria provided, single submitter. Criteria: GeneDx Variant Classification Process June 2021. Collection method: clinical testing. Allele origin: germline. Affected: yes.
Comment: Not observed at significant frequency in large population cohorts (gnomAD); Frameshift variant predicted to result in protein truncation or nonsense mediated decay in a gene or region of a gene for which loss of function is not a well-established mechanism of disease; Has not been previously published as pathogenic or benign to our knowledge

NM_001394062.1(MACF1):c.1384del (p.Val462fs)

Gene: MACF1 (microtubule actin crosslinking factor 1; plus strand). Cytogenetic location: 1p34.3.
Variant type: Deletion.
Coding change: c.1384del on transcript NM_001394062.1 (MANE Select); coding-DNA position 1384, one base deleted (G; older notation c.1384delG).
Protein change: p.Val462fs; shifts the reading frame from valine 462.
Molecular consequence: frameshift variant.
Genome position (GRCh38, 1-based): chr1:39,285,634, G deleted; the last of 2 consecutive G bases (chr1:39,285,633-39,285,634); deleting either gives the same sequence. VCF-style (leftmost placement, unchanged base first): chr1-39285632-CG-C. GRCh37 (hg19) VCF-style: chr1-39751304-CG-C.
Other names: c.1399del, p.Val467fs (NM_012090.5); short protein forms V462fs, V467fs.
Identifiers: ClinVar variation 4795289 (VCV004795289.1).
Genomic context (GRCh38, chr1:39,285,632, plus strand): 5'-TTTCCCACTGTTATTCTCTCTTCCTGTCTCAGGATGCTGCTCACCTGGAATCAGGACAAC[CG>C]GTACAATGTGAGTCAGATGTCATTATGTACATTCAGGAGTGTGAAGGTCTCATCAGGCAG-3'